The following is an entry in ClinVar:

ClinVar aggregate classification (germline): Uncertain significance (1 of 4 stars; one submission).

Conditions:
Inborn genetic diseases. Identifiers: MedGen C0950123, MeSH D030342.

gnomAD v4.1: 6 of 1,613,520 alleles (0.00037%); highest among the groups gnomAD compares: Non-Finnish European, 0.00051%; no homozygotes.

Submission:

Ambry Genetics
Classification: Uncertain significance for Inborn genetic diseases. Last evaluated: 2025-04-13. Review status: criteria provided, single submitter. Criteria: Ambry Variant Classification Scheme 2023. Collection method: clinical testing. Allele origin: germline.
Comment: The p.V209A variant (also known as c.626T>C), located in coding exon 5 of the SBDS gene, results from a T to C substitution at nucleotide position 626. The valine at codon 209 is replaced by alanine, an amino acid with similar properties. This amino acid position is conserved. In addition, this alteration is predicted to be deleterious by in silico analysis. Based on the available evidence, the clinical significance of this variant remains unclear.

NM_016038.4(SBDS):c.626T>C (p.Val209Ala)

Gene: SBDS (SBDS ribosome maturation factor; minus strand). Cytogenetic location: 7q11.21.
Variant type: single nucleotide variant.
Coding change: c.626T>C on transcript NM_016038.4 (MANE Select); coding-DNA position 626, T replaced by C.
Protein change: p.Val209Ala; replaces valine 209 with alanine.
Molecular consequence: missense variant.
Genome position (GRCh38, 1-based): chr7:66,988,498, A>G on the plus strand (T>C on the coding strand, the complement: SBDS is on the minus strand). VCF-style: chr7-66988498-A-G. GRCh37 (hg19) VCF-style: chr7-66453485-A-G.
Other names: short protein forms V209A.
Identifiers: ClinVar variation 3950317 (VCV003950317.1).